The following is an entry in ClinVar:

ClinVar aggregate classification (germline): Uncertain significance. Review status: criteria provided, single submitter (1 of 4 stars). 2 submissions from 2 submitters: Uncertain significance (1). 1 of the submissions does not count toward it. Last evaluated 2026-01-08.

Conditions:
LTBP3-related disorder. Also called: LTBP3-related condition.
Brachyolmia-amelogenesis imperfecta syndrome. Also called: Tooth agenesis, selective, 6; Dental anomalies and short stature; PLATYSPONDYLY WITH AMELOGENESIS IMPERFECTA. Identifiers: Orphanet 2899, MedGen C1832594, MONDO:0011018, OMIM 601216. Disease mechanism: loss of function.

gnomAD v4.1: 94 of 1,613,834 alleles (0.0058%); highest among the groups gnomAD compares: Non-Finnish European, 0.007%; no homozygotes.

Submissions (2):

Labcorp Genetics (formerly Invitae), Labcorp
Classification: Uncertain significance for Brachyolmia-amelogenesis imperfecta syndrome. Last evaluated: 2026-01-08. Review status: criteria provided, single submitter. Criteria: Invitae Variant Classification Sherloc (09022015). Collection method: clinical testing. Allele origin: germline.
Comment: This sequence change replaces glycine, which is neutral and non-polar, with arginine, which is basic and polar, at codon 486 of the LTBP3 protein (p.Gly486Arg). This variant is present in population databases (rs148883568, gnomAD 0.003%). This missense change has been observed in individual(s) with thoracic aortic dissection (PMID: 34906192). ClinVar contains an entry for this variant (Variation ID: 1472474). An algorithm developed to predict the effect of missense changes on protein structure and function (PolyPhen-2) suggests that this variant is likely to be disruptive. In summary, the available evidence is currently insufficient to determine the role of this variant in disease. Therefore, it has been classified as a Variant of Uncertain Significance.

PreventionGenetics, part of Exact Sciences
Classification: Uncertain significance for LTBP3-related condition. Last evaluated: 2024-07-11. Review status: no assertion criteria provided. Collection method: clinical testing. Allele origin: germline. Not counted in ClinVar's aggregate classification.
Comment: The LTBP3 c.1456G>C variant is predicted to result in the amino acid substitution p.Gly486Arg. This variant is reported in the literature in a patient with aortic dissection (Zhu et al 2021. PubMed ID: 34906192). This variant is reported in 0.0039% of alleles in individuals of European (Non-Finnish) descent in gnomAD. At this time, the clinical significance of this variant is uncertain due to the absence of conclusive functional and genetic evidence.

Literature cited by the submitters: PubMed 34906192 (cited by Labcorp Genetics (formerly Invitae), Labcorp).

NM_001130144.3(LTBP3):c.1456G>C (p.Gly486Arg)

Gene: LTBP3 (latent transforming growth factor beta binding protein 3; minus strand). Cytogenetic location: 11q13.1.
Variant type: single nucleotide variant.
Coding change: c.1456G>C on transcript NM_001130144.3 (MANE Select); coding-DNA position 1456, G replaced by C.
Protein change: p.Gly486Arg; replaces glycine 486 with arginine.
Molecular consequence: missense variant.
Genome position (GRCh38, 1-based): chr11:65,552,047, C>G on the plus strand (G>C on the coding strand, the complement: LTBP3 is on the minus strand). VCF-style: chr11-65552047-C-G. GRCh37 (hg19) VCF-style: chr11-65319518-C-G.
Other names: c.1105G>C, p.Gly369Arg (NM_001164266.1); c.1456G>C, p.Gly486Arg (NM_021070.4); c.1456G>C (NM_001130144.2); short protein forms G369R, G486R.
Identifiers: ClinVar variation 1472474 (VCV001472474.7), dbSNP rs148883568, ClinGen allele CA6100985.